The following is an entry in ClinVar:

ClinVar aggregate classification (germline): Uncertain significance (1 of 4 stars; one submission).

gnomAD v4.1: 1 of 1,610,236 alleles (0.000062%); highest among the groups gnomAD compares: Non-Finnish European, 0.000085%; no homozygotes.

Submission:

Dasa
Classification: Uncertain significance. Last evaluated: 2025-11-20. Review status: criteria provided, single submitter. Criteria: DASA Assertion Criteria. Collection method: clinical testing. Allele origin: germline.
Comment: NM_001999.4(FBN2):c.205G>A (p.Ala69Thr) is a missense variant that results in the substitution of alanine with threonine. This variant is rare in population databases. Computational prediction algorithms are consistent with a benign effect. The currently available literature and clinical evidence are not sufficient to establish a definitive association between this variant and the reported condition. Therefore, this variant is classified as a variant of uncertain significance.

NM_001999.4(FBN2):c.205G>A (p.Ala69Thr)

Gene: FBN2 (fibrillin 2; minus strand). Cytogenetic location: 5q23.3.
Variant type: single nucleotide variant.
Coding change: c.205G>A on transcript NM_001999.4 (MANE Select); coding-DNA position 205, G replaced by A.
Protein change: p.Ala69Thr; replaces alanine 69 with threonine.
Molecular consequence: missense variant.
Genome position (GRCh38, 1-based): chr5:128,537,399, C>T on the plus strand (G>A on the coding strand, the complement: FBN2 is on the minus strand). VCF-style: chr5-128537399-C-T. GRCh37 (hg19) VCF-style: chr5-127873092-C-T.
Other names: short protein forms A69T.
Identifiers: ClinVar variation 4881057 (VCV004881057.2).